The following is an entry in ClinVar:

ClinVar aggregate classification (germline): Pathogenic/Likely pathogenic. Review status: criteria provided, multiple submitters, no conflicts (2 of 4 stars). 2 submissions from 2 submitters: Pathogenic (1); Likely pathogenic (1). Last evaluated 2022-01-11.

Conditions:
TRAF3IP1-related disorder. Also called: TRAF3IP1-related condition.

Allele frequency attached by ClinVar (database versions not stated): gnomAD exomes below 0.00001.

Submissions (2):

Labcorp Genetics (formerly Invitae), Labcorp
Classification: Pathogenic. Last evaluated: 2022-01-11. Review status: criteria provided, single submitter. Criteria: Invitae Variant Classification Sherloc (09022015). Collection method: clinical testing. Allele origin: germline.
Comment: This sequence change creates a premature translational stop signal (p.Glu497Glyfs*30) in the TRAF3IP1 gene. It is expected to result in an absent or disrupted protein product. Loss-of-function variants in TRAF3IP1 are known to be pathogenic (PMID: 21945076, 26487268, 29068549). For these reasons, this variant has been classified as Pathogenic. Algorithms developed to predict the effect of sequence changes on RNA splicing suggest that this variant may create or strengthen a splice site. ClinVar contains an entry for this variant (Variation ID: 1002602). This variant has not been reported in the literature in individuals affected with TRAF3IP1-related conditions. This variant is not present in population databases (gnomAD no frequency).

Blueprint Genetics
Classification: Likely pathogenic for TRAF3IP1-related disorders. Last evaluated: 2019-08-26. Review status: criteria provided, single submitter. Criteria: ACMG Guidelines, 2015. Collection method: clinical testing. Allele origin: germline. Affected: yes. Observed: 1 variant allele.

Literature cited by the submitters: PubMed 21945076 (cited by Labcorp Genetics (formerly Invitae), Labcorp); PubMed 26487268 (cited by Labcorp Genetics (formerly Invitae), Labcorp); PubMed 29068549 (cited by Labcorp Genetics (formerly Invitae), Labcorp).

NM_015650.4(IFT54):c.1490del (p.Glu497fs)

Gene: IFT54 (intraflagellar transport 54; plus strand). Cytogenetic location: 2q37.3.
Variant type: Deletion.
Coding change: c.1490del on transcript NM_015650.4 (MANE Select); coding-DNA position 1490, one base deleted (A; older notation c.1490delA).
Protein change: p.Glu497fs; shifts the reading frame from glutamic acid 497.
Molecular consequence: frameshift variant.
Genome position (GRCh38, 1-based): chr2:238,352,865, A deleted. VCF-style (leftmost placement, unchanged base first): chr2-238352864-GA-G. GRCh37 (hg19) VCF-style: chr2-239261505-GA-G.
Other names: c.1292del, p.Glu431fs (NM_001139490.1); short protein forms E431fs, E497fs.
Identifiers: ClinVar variation 1002602 (VCV001002602.7), dbSNP rs1699234403, ClinGen allele CA1338085058.